The following is an entry in ClinVar:

NM_001148.6(ANK2):c.5972G>T (p.Arg1991Leu)

Genes: ANK2 (ankyrin 2; plus strand), LOC126807136 (MED14-independent group 3 enhancer GRCh37_chr4:114274931-114276130; plus strand). Cytogenetic location: 4q26.
Variant type: single nucleotide variant.
Coding change: c.5972G>T on transcript NM_001148.6 (MANE Select); coding-DNA position 5972, G replaced by T.
Protein change: p.Arg1991Leu; replaces arginine 1991 with leucine.
Molecular consequence: missense variant. On other transcripts: intron variant (68).
Genome position (GRCh38, 1-based): chr4:113,354,590, G>T. VCF-style: chr4-113354590-G-T. GRCh37 (hg19) VCF-style: chr4-114275746-G-T.
Other names: c.5738G>T, p.Arg1913Leu (NM_001386142.1); c.2372G>T, p.Arg791Leu (NM_001386166.1); c.6113G>T, p.Arg2038Leu (NM_001386174.1); c.6089G>T, p.Arg2030Leu (NM_001386175.1); c.4411+4341G>T (NM_001386186.2, NM_001386148.2); c.4213+4341G>T (NM_001354269.3); c.4291+4341G>T (NM_001386187.2); c.4252+4341G>T (NM_001386147.1); and 35 more; short protein forms R1991L, R1913L, R2030L, R2038L, R791L.
Identifiers: ClinVar variation 656055 (VCV000656055.7), dbSNP rs755548985, ClinGen allele CA357921949.
Genomic context (GRCh38, chr4:113,354,590, plus strand): 5'-AGCAACCACCTGTATCCCCCACTTCAAAAACAGAGAGGATTGAGGAAACCATGTCTGTTC[G>T]GGAGCTGATGAAGGCTTTCCAGTCAGGTCAGGACCCTTCTAAACATAAAACTGGACTCTT-3'
Protein context (NP_001139.3, residues 1981-2001): TERIEETMSV[Arg1991Leu]ELMKAFQSGQ

ClinVar aggregate classification (germline): Uncertain significance. Review status: criteria provided, multiple submitters, no conflicts (2 of 4 stars). 2 submissions from 2 submitters: Uncertain significance (2). Last evaluated 2025-01-27.

Conditions:
Long QT syndrome (LQTS). Identifiers: MedGen C0023976, MeSH D008133, MONDO:0002442. Disease mechanism: loss of function. Inheritance: Various modes of inheritance.

gnomAD v4.1: 6 of 1,613,972 alleles (0.00037%); highest among the groups gnomAD compares: Non-Finnish European, 0.00051%; no homozygotes.

Submissions (2):

Labcorp Genetics (formerly Invitae), Labcorp
Classification: Uncertain significance for Long QT syndrome. Last evaluated: 2025-01-27. Review status: criteria provided, single submitter. Criteria: Invitae Variant Classification Sherloc (09022015). Collection method: clinical testing. Allele origin: germline.
Comment: This sequence change replaces arginine, which is basic and polar, with leucine, which is neutral and non-polar, at codon 1991 of the ANK2 protein (p.Arg1991Leu). This variant is present in population databases (no rsID available, gnomAD 0.0009%). This variant has not been reported in the literature in individuals affected with ANK2-related conditions. ClinVar contains an entry for this variant (Variation ID: 656055). An algorithm developed to predict the effect of missense changes on protein structure and function (PolyPhen-2) suggests that this variant is likely to be disruptive. In summary, the available evidence is currently insufficient to determine the role of this variant in disease. Therefore, it has been classified as a Variant of Uncertain Significance.

Breakthrough Genomics
Classification: Uncertain significance. Review status: criteria provided, single submitter. Criteria: ACMG Guidelines, 2015. Collection method: not provided. Allele origin: germline. Inheritance: Autosomal dominant inheritance. Affected: yes.